The following is an entry in ClinVar:

NM_133642.5(LARGE1):c.442A>C (p.Asn148His)

Gene: LARGE1 (LARGE xylosyl- and glucuronyltransferase 1; minus strand). Cytogenetic location: 22q12.3.
Variant type: single nucleotide variant.
Coding change: c.442A>C on transcript NM_133642.5 (MANE Select); coding-DNA position 442, A replaced by C.
Protein change: p.Asn148His; replaces asparagine 148 with histidine.
Molecular consequence: missense variant.
Genome position (GRCh38, 1-based): chr22:33,626,293, T>G on the plus strand (A>C on the coding strand, the complement: LARGE1 is on the minus strand). VCF-style: chr22-33626293-T-G. GRCh37 (hg19) VCF-style: chr22-34022277-T-G.
Other names: c.442A>C, p.Asn148His (NM_001362949.2, NM_001362951.2, NM_001362953.2 and 7 more transcripts); short protein forms N148H.
Identifiers: ClinVar variation 1415500 (VCV001415500.3), dbSNP rs753419341, ClinGen allele CA10203043.

ClinVar aggregate classification (germline): Uncertain significance (1 of 4 stars; one submission).

Conditions:
Muscular dystrophy-dystroglycanopathy type B6 (MDDGB6). Also called: MUSCULAR DYSTROPHY-DYSTROGLYCANOPATHY (CONGENITAL WITH IMPAIRED INTELLECTUAL DEVELOPMENT), TYPE B, 6; MUSCULAR DYSTROPHY, CONGENITAL, LARGE-RELATED; MUSCULAR DYSTROPHY, CONGENITAL, TYPE 1D. Identifiers: MedGen C1837229, MONDO:0012138, OMIM 608840.

Allele frequency attached by ClinVar (database versions not stated): gnomAD 0.00001; gnomAD exomes 0.00001; ExAC 0.00002.
gnomAD v4.1: 2 of 1,613,970 alleles (0.00012%); highest among the groups gnomAD compares: Non-Finnish European, 0.000085%; no homozygotes.

Submission:

Labcorp Genetics (formerly Invitae), Labcorp
Classification: Uncertain significance for Muscular dystrophy-dystroglycanopathy type B6. Last evaluated: 2021-11-30. Review status: criteria provided, single submitter. Criteria: Invitae Variant Classification Sherloc (09022015). Collection method: clinical testing. Allele origin: germline.
Comment: This sequence change replaces asparagine, which is neutral and polar, with histidine, which is basic and polar, at codon 148 of the LARGE1 protein (p.Asn148His). This variant is present in population databases (rs753419341, gnomAD 0.003%). This variant has not been reported in the literature in individuals affected with LARGE1-related conditions. Algorithms developed to predict the effect of missense changes on protein structure and function are either unavailable or do not agree on the potential impact of this missense change (SIFT: "Tolerated"; PolyPhen-2: "Probably Damaging"; Align-GVGD: "Class C0"). In summary, the available evidence is currently insufficient to determine the role of this variant in disease. Therefore, it has been classified as a Variant of Uncertain Significance.